The following is an entry in ClinVar:

ClinVar aggregate classification (germline): Uncertain significance (1 of 4 stars; one submission).

Submission:

Dasa
Classification: Uncertain significance. Last evaluated: 2025-01-30. Review status: criteria provided, single submitter. Criteria: DASA Assertion Criteria. Collection method: clinical testing. Allele origin: germline.
Comment: NM_024528.4(NKAP):c.604_606del (p.Ser202del) is an in-frame deletion predicted to remove serine at protein position 202 without shifting the reading frame. This variant is rare in population databases. The currently available literature and clinical evidence are not sufficient to establish a definitive association between this variant and the reported condition. Therefore, this variant is classified as a variant of uncertain significance.

NM_024528.4(NKAP):c.604_606del (p.Ser202del)

Gene: NKAP (NFKB activating protein; minus strand). Cytogenetic location: Xq24.
Variant type: Deletion.
Coding change: c.604_606del on transcript NM_024528.4 (MANE Select); coding-DNA positions 604 to 606, 3 bases deleted (TCG; older notation c.604_606delTCG).
Protein change: p.Ser202del; deletes serine 202.
Molecular consequence: inframe deletion.
Genome position (GRCh38, 1-based): chrX:119,936,364-119,936,366, CGA deleted on the plus strand (TCG on the coding strand, the reverse complement: NKAP is on the minus strand). VCF-style (leftmost placement, unchanged base first): chrX-119936363-TCGA-T. GRCh37 (hg19) VCF-style: chrX-119070326-TCGA-T.
Other names: short protein forms S202del.
Identifiers: ClinVar variation 4884034 (VCV004884034.2).